The following is an entry in ClinVar:

NM_000136.3(FANCC):c.811A>G (p.Arg271Gly)

Genes: AOPEP (aminopeptidase O (putative); plus strand), FANCC (FA complementation group C; minus strand). Cytogenetic location: 9q22.32.
Variant type: single nucleotide variant.
Coding change: c.811A>G on transcript NM_000136.3 (MANE Select); coding-DNA position 811, A replaced by G.
Protein change: p.Arg271Gly; replaces arginine 271 with glycine.
Molecular consequence: missense variant.
Genome position (GRCh38, 1-based): chr9:95,135,378, T>C on the plus strand (A>G on the coding strand, the complement: FANCC is on the minus strand). VCF-style: chr9-95135378-T-C. GRCh37 (hg19) VCF-style: chr9-97897660-T-C.
Other names: c.811A>G (NM_000136.2); c.811A>G, p.Arg271Gly (NM_001243743.2, NM_001243744.2); short protein forms R271G.
Identifiers: ClinVar variation 1387823 (VCV001387823.9), dbSNP rs2135165709, ClinGen allele CA374109236.
Genomic context (GRCh38, chr9:95,135,378, plus strand): 5'-TTTCCCTTCATCAAAACCCAGTACGTACCAGCGATGAATCTTTTATAAAGCATTCGATCC[T>C]TCTCAGACAATTTCTCTCACTGGAGATTAGCTTTTCAAAAAGATGCAGCATTGCTTTTTC-3'
Protein context (NP_000127.2, residues 261-281): LISSERNCLR[Arg271Gly]IECFIKDSSL

ClinVar aggregate classification (germline): Uncertain significance. Review status: criteria provided, multiple submitters, no conflicts (2 of 4 stars). 2 submissions from 2 submitters: Uncertain significance (2). Last evaluated 2026-05-24.

Conditions:
Hereditary cancer-predisposing syndrome. Also called: Neoplastic Syndromes, Hereditary; Tumor predisposition; Hereditary Cancer Syndrome; Hereditary neoplastic syndrome. Identifiers: Orphanet 140162, MedGen C0027672, MeSH D009386, MONDO:0015356.
Fanconi anemia (FA). Also called: Fanconi's anemia. Identifiers: Orphanet 84, MedGen C0015625, MeSH D005199, MONDO:0019391.

Submissions (2):

Ambry Genetics
Classification: Uncertain significance for Hereditary cancer-predisposing syndrome. Last evaluated: 2026-05-24. Review status: criteria provided, single submitter. Criteria: Ambry Variant Classification Scheme 2023. Collection method: clinical testing. Allele origin: germline.
Comment: The p.R271G variant (also known as c.811A>G), located in coding exon 7 of the FANCC gene, results from an A to G substitution at nucleotide position 811. The arginine at codon 271 is replaced by glycine, an amino acid with dissimilar properties. This amino acid position is conserved. In addition, this alteration is predicted to be tolerated by in silico analysis. Based on the available evidence, the clinical significance of this variant remains unclear.

Labcorp Genetics (formerly Invitae), Labcorp
Classification: Uncertain significance for Fanconi anemia. Last evaluated: 2021-04-15. Review status: criteria provided, single submitter. Criteria: Invitae Variant Classification Sherloc (09022015). Collection method: clinical testing. Allele origin: germline.
Comment: This sequence change replaces arginine with glycine at codon 271 of the FANCC protein (p.Arg271Gly). The arginine residue is moderately conserved and there is a moderate physicochemical difference between arginine and glycine. In summary, the available evidence is currently insufficient to determine the role of this variant in disease. Therefore, it has been classified as a Variant of Uncertain Significance. Algorithms developed to predict the effect of missense changes on protein structure and function (SIFT, PolyPhen-2, Align-GVGD) all suggest that this variant is likely to be tolerated, but these predictions have not been confirmed by published functional studies and their clinical significance is uncertain. This variant has not been reported in the literature in individuals with FANCC-related conditions. This variant is not present in population databases (ExAC no frequency).